The following is an entry in ClinVar:

NM_000603.5(NOS3):c.571G>A (p.Gly191Arg)

Gene: NOS3 (nitric oxide synthase 3; plus strand). Cytogenetic location: 7q36.1.
Variant type: single nucleotide variant.
Coding change: c.571G>A on transcript NM_000603.5 (MANE Select); coding-DNA position 571, G replaced by A.
Protein change: p.Gly191Arg; replaces glycine 191 with arginine.
Molecular consequence: missense variant.
Genome position (GRCh38, 1-based): chr7:150,996,914, G>A. VCF-style: chr7-150996914-G-A. GRCh37 (hg19) VCF-style: chr7-150694002-G-A.
Other names: c.571G>A, p.Gly191Arg (NM_001160109.2, NM_001160110.1, NM_001160111.1); short protein forms G191R.
Identifiers: ClinVar variation 5020767 (VCV005020767.1).

ClinVar aggregate classification (germline): Uncertain significance (1 of 4 stars; one submission).

Submission:

Dasa
Classification: Uncertain significance. Last evaluated: 2025-12-11. Review status: criteria provided, single submitter. Criteria: DASA Assertion Criteria. Collection method: clinical testing. Allele origin: germline.
Comment: NM_000603.5(NOS3):c.571G>A (p.Gly191Arg) is a missense variant that results in the substitution of glycine with arginine. This variant is rare in population databases. Computational prediction algorithms are consistent with a benign effect. The currently available literature and clinical evidence are not sufficient to establish a definitive association between this variant and the reported condition. Therefore, this variant is classified as a variant of uncertain significance.